The following is an entry in ClinVar:

NM_000918.4(P4HB):c.475G>T (p.Gly159Cys)

Gene: P4HB (prolyl 4-hydroxylase subunit beta; minus strand). Cytogenetic location: 17q25.3.
Variant type: single nucleotide variant.
Coding change: c.475G>T on transcript NM_000918.4 (MANE Select); coding-DNA position 475, G replaced by T.
Protein change: p.Gly159Cys; replaces glycine 159 with cysteine.
Molecular consequence: missense variant.
Genome position (GRCh38, 1-based): chr17:81,855,464, C>A on the plus strand (G>T on the coding strand, the complement: P4HB is on the minus strand). VCF-style: chr17-81855464-C-A. GRCh37 (hg19) VCF-style: chr17-79813340-C-A.
Other names: short protein forms G159C.
Identifiers: ClinVar variation 2632582 (VCV002632582.2), dbSNP rs1168761588, ClinGen allele CA401515775.
Genomic context (GRCh38, chr17:81,855,464, plus strand): 5'-CCTCAATGGATGACGGAAGGAAGGAAGACTGGAATGCTCTGGTCTCTACCTTGAAGAAGC[C>A]GATGACAGCCACCTCGCTGGACTCCACCAAGGACTCTGCAGCTGCGCCGTCAGGCAGGGT-3'
Protein context (NP_000909.2, residues 149-169): LVESSEVAVI[Gly159Cys]FFKDVESDSA

ClinVar aggregate classification (germline): Uncertain significance (1 of 4 stars; one submission).

Conditions:
P4HB-related disorder. Also called: P4HB-related condition.

gnomAD v4.1: 1 of 1,612,146 alleles (0.000062%); highest among the groups gnomAD compares: Non-Finnish European, 0.000085%; no homozygotes.

Submission:

PreventionGenetics, part of Exact Sciences
Classification: Uncertain significance for P4HB-related condition. Last evaluated: 2026-08-26. Review status: criteria provided, single submitter. Criteria: ACMG Guidelines, 2015. Collection method: clinical testing. Allele origin: germline.
Comment: The P4HB c.475G>T variant is predicted to result in the amino acid substitution p.Gly159Cys. To our knowledge, this variant has not been reported in the literature or in a large population database (gnomAD), indicating this variant is rare. At this time, the clinical significance of this variant is uncertain due to the absence of conclusive functional and genetic evidence.